The following is an entry in ClinVar:

NM_001733.7(C1R):c.1740C>A (p.Asp580Glu)

Gene: C1R (complement C1r; minus strand). Cytogenetic location: 12p13.31.
Variant type: single nucleotide variant.
Coding change: c.1740C>A on transcript NM_001733.7 (MANE Select); coding-DNA position 1740, C replaced by A.
Protein change: p.Asp580Glu; replaces aspartic acid 580 with glutamic acid.
Molecular consequence: missense variant.
Genome position (GRCh38, 1-based): chr12:7,080,910, G>T on the plus strand (C>A on the coding strand, the complement: C1R is on the minus strand). VCF-style: chr12-7080910-G-T. GRCh37 (hg19) VCF-style: chr12-7188214-G-T.
Other names: c.1782C>A, p.Asp594Glu (NM_001354346.2); short protein forms D580E, D594E.
Identifiers: ClinVar variation 3359655 (VCV003359655.1).
Genomic context (GRCh38, chr12:7,080,910, plus strand): 5'-CTCCATGACCCCGAAGCCACTGACATAGCCCATCAAGCCCAGGTCGTAGAAGGTATCGTT[G>T]TCAGGGAGGCAGATGGGGAGGAGGTTGGGACCCAGGGTGACACTATTTTCCAGCTCCAGC-3'
Protein context (NP_001724.4, residues 570-590): GPNLLPICLP[Asp580Glu]NDTFYDLGLM

ClinVar aggregate classification (germline): Uncertain significance (1 of 4 stars; one submission).

gnomAD v4.1: 1 of 1,613,318 alleles (0.000062%); highest among the groups gnomAD compares: East Asian, 0.0022%; no homozygotes.

Submission:

GeneDx
Classification: Uncertain significance. Last evaluated: 2023-06-13. Review status: criteria provided, single submitter. Criteria: GeneDx Variant Classification Process June 2021. Collection method: clinical testing. Allele origin: germline. Affected: yes.
Comment: Not observed at significant frequency in large population cohorts (gnomAD); In silico analysis supports that this missense variant does not alter protein structure/function; Has not been previously published as pathogenic or benign to our knowledge